The following is an entry in ClinVar:

NM_018451.5(CPAP):c.3080A>G (p.Gln1027Arg)

Gene: CPAP (centrosome assembly and centriole elongation protein; minus strand). Cytogenetic location: 13q12.12.
Variant type: single nucleotide variant.
Coding change: c.3080A>G on transcript NM_018451.5 (MANE Select); coding-DNA position 3080, A replaced by G.
Protein change: p.Gln1027Arg; replaces glutamine 1027 with arginine.
Molecular consequence: missense variant. On other transcripts: non-coding transcript variant (2).
Genome position (GRCh38, 1-based): chr13:24,892,779, T>C on the plus strand (A>G on the coding strand, the complement: CPAP is on the minus strand). VCF-style: chr13-24892779-T-C. GRCh37 (hg19) VCF-style: chr13-25466917-T-C.
Other names: c.3080A>G (NM_018451.3); short protein forms Q1027R.
Identifiers: ClinVar variation 1395151 (VCV001395151.8), dbSNP rs141237492, ClinGen allele CA6919413.

ClinVar aggregate classification (germline): Uncertain significance. Review status: criteria provided, multiple submitters, no conflicts (2 of 4 stars). 4 submissions from 4 submitters: Uncertain significance (4). Last evaluated 2025-01-15.

Conditions:
Microcephaly 6, primary, autosomal recessive. Identifiers: Orphanet 2512, MedGen C1842109, MONDO:0012029, OMIM 608393.
Seckel syndrome 4 (SCKL4). Identifiers: Orphanet 808, MedGen C3888212, MONDO:0013358, OMIM 613676.
Inborn genetic diseases. Identifiers: MedGen C0950123, MeSH D030342.

Allele frequency attached by ClinVar (database versions not stated): gnomAD exomes 0.00002 and 0.00005; ExAC 0.00006; gnomAD 0.00022 and 0.00023; ESP Exome Variant Server 0.00023; TOPMed 0.00031.
gnomAD v4.1: 67 of 1,613,870 alleles (0.0042%); highest among the groups gnomAD compares: African/African-American, 0.077%; no homozygotes.

Submissions (4):

Labcorp Genetics (formerly Invitae), Labcorp
Classification: Uncertain significance. Last evaluated: 2025-01-15. Review status: criteria provided, single submitter. Criteria: Invitae Variant Classification Sherloc (09022015). Collection method: clinical testing. Allele origin: germline.
Comment: This sequence change replaces glutamine, which is neutral and polar, with arginine, which is basic and polar, at codon 1027 of the CENPJ protein (p.Gln1027Arg). This variant is present in population databases (rs141237492, gnomAD 0.08%). This variant has not been reported in the literature in individuals affected with CENPJ-related conditions. ClinVar contains an entry for this variant (Variation ID: 1395151). Invitae Evidence Modeling of protein sequence and biophysical properties (such as structural, functional, and spatial information, amino acid conservation, physicochemical variation, residue mobility, and thermodynamic stability) indicates that this missense variant is expected to disrupt CENPJ protein function with a positive predictive value of 80%. In summary, the available evidence is currently insufficient to determine the role of this variant in disease. Therefore, it has been classified as a Variant of Uncertain Significance.

Fulgent Genetics
Classification: Uncertain significance for Microcephaly 6, primary, autosomal recessive; Seckel syndrome 4. Last evaluated: 2022-04-05. Review status: criteria provided, single submitter. Criteria: ACMG Guidelines, 2015. Collection method: clinical testing. Allele origin: unknown.

Ambry Genetics
Classification: Uncertain significance for Inborn genetic diseases. Last evaluated: 2022-02-28. Review status: criteria provided, single submitter. Criteria: Ambry Variant Classification Scheme 2023. Collection method: clinical testing. Allele origin: germline.
Comment: The c.3080A>G (p.Q1027R) alteration is located in exon 10 (coding exon 9) of the CENPJ gene. This alteration results from a A to G substitution at nucleotide position 3080, causing the glutamine (Q) at amino acid position 1027 to be replaced by an arginine (R). The p.Q1027R alteration is predicted to be tolerated by in silico analysis. Based on insufficient or conflicting evidence, the clinical significance of this alteration remains unclear.

New York Genome Center
Classification: Uncertain significance for Microcephaly 6, primary, autosomal recessive. Last evaluated: 2021-06-04. Review status: criteria provided, single submitter. Criteria: NYGC Assertion Criteria 2020. Collection method: clinical testing. Allele origin: germline. Observed: 1 homozygote. Study: CSER-NYCKidSeq.